The following is an entry in ClinVar:

ClinVar aggregate classification (germline): Conflicting classifications of pathogenicity. Review status: criteria provided, conflicting classifications (1 of 4 stars). 2 submissions from 2 submitters: Uncertain significance (1); Likely benign (1). Last evaluated 2025-05-28.

Conditions:
RBCK1-related disorder. Also called: RBCK1-related condition.
Polyglucosan body myopathy type 1 (PGBM1). Also called: Polyglucosan body myopathy 1 with or without immunodeficiency; POLYGLUCOSAN BODY MYOPATHY WITHOUT IMMUNODEFICIENCY. Identifiers: Orphanet 329173, Orphanet 397937, MedGen C4014605, MONDO:0014389, OMIM 615895.

Allele frequency attached by ClinVar (database versions not stated): TOPMed 0.00002; gnomAD exomes below 0.00001 and 0.00001; ExAC 0.00001.
gnomAD v4.1: 11 of 1,613,640 alleles (0.00068%); highest among the groups gnomAD compares: African/African-American, 0.0013%; no homozygotes.

Submissions (2):

PreventionGenetics, part of Exact Sciences
Classification: Uncertain significance for RBCK1-related condition. Last evaluated: 2025-05-28. Review status: criteria provided, single submitter. Criteria: ACMG Guidelines, 2015. Collection method: clinical testing. Allele origin: germline.
Comment: The RBCK1 c.1188C>T variant is not predicted to result in an amino acid change (p.=). This variant is predicted to alter splicing based on available splicing prediction programs (SpliceAI, Jaganathan et al. 2019. PubMed ID: 30661751)/(Alamut Visual v1.6.1). However, the use of computer prediction programs is not equivalent to functional evidence. To our knowledge, this variant has not been reported in the literature. This variant is reported in 0.00088% of alleles in individuals of European (Non-Finnish) descent in gnomAD. At this time, the clinical significance of this variant is uncertain due to the absence of conclusive functional and genetic evidence.

Labcorp Genetics (formerly Invitae), Labcorp
Classification: Likely benign for Polyglucosan body myopathy type 1. Last evaluated: 2022-07-18. Review status: criteria provided, single submitter. Criteria: Invitae Variant Classification Sherloc (09022015). Collection method: clinical testing. Allele origin: germline.

NM_031229.4(RBCK1):c.1188C>T (p.His396=)

Gene: RBCK1 (RANBP2-type and C3HC4-type zinc finger containing 1; plus strand). Cytogenetic location: 20p13.
Variant type: single nucleotide variant.
Coding change: c.1188C>T on transcript NM_031229.4 (MANE Select); coding-DNA position 1188, C replaced by T.
Protein change: p.His396=; no amino-acid change (histidine 396 retained).
Molecular consequence: synonymous variant. On other transcripts: non-coding transcript variant (1).
Genome position (GRCh38, 1-based): chr20:427,471, C>T. VCF-style: chr20-427471-C-T. GRCh37 (hg19) VCF-style: chr20-408115-C-T.
Other names: c.678C>T, p.His226= (NM_001323956.2, NM_001323958.2); c.1062C>T, p.His354= (NM_006462.6).
Identifiers: ClinVar variation 737237 (VCV000737237.10), dbSNP rs766618284, ClinGen allele CA9723283.